The following is an entry in ClinVar:

NM_001111.5(ADAR):c.1034G>A (p.Arg345Lys)

Gene: ADAR (adenosine deaminase RNA specific; minus strand). Cytogenetic location: 1q21.3.
Variant type: single nucleotide variant.
Coding change: c.1034G>A on transcript NM_001111.5 (MANE Select); coding-DNA position 1034, G replaced by A.
Protein change: p.Arg345Lys; replaces arginine 345 with lysine.
Molecular consequence: missense variant.
Genome position (GRCh38, 1-based): chr1:154,601,608, C>T on the plus strand (G>A on the coding strand, the complement: ADAR is on the minus strand). VCF-style: chr1-154601608-C-T. GRCh37 (hg19) VCF-style: chr1-154574084-C-T.
Other names: c.149G>A, p.Arg50Lys (NM_001025107.3, NM_001193495.2, NM_001365046.1 and 3 more transcripts); c.1061G>A, p.Arg354Lys (NM_001365045.1); c.1034G>A, p.Arg345Lys (NM_015840.4, NM_015841.4); short protein forms R50K, R354K, R345K.
Identifiers: ClinVar variation 2094735 (VCV002094735.4), dbSNP rs2526654681, ClinGen allele CA342598829.
Genomic context (GRCh38, chr1:154,601,608, plus strand): 5'-ATTTGCATCCTCTCTCGCTTCTTGTCTGTCAAATGCCATATGGGAGGGGTTGTCCCTTGT[C>T]TATAGACATCCCCCTGCCTTTCCATGTCAATTAGCACAGCATTTATATCTCGGGCCTTGG-3'
Protein context (NP_001102.3, residues 335-355): IDMERQGDVY[Arg345Lys]QGTTPPIWHL

ClinVar aggregate classification (germline): Uncertain significance (1 of 4 stars; one submission).

Conditions:
Symmetrical dyschromatosis of extremities (DSH). Also called: RETICULATE ACROPIGMENTATION OF DOHI; SYMMETRIC DYSCHROMATOSIS OF THE EXTREMITIES; Dyschromatosis symmetrica hereditaria; DYSCHROMATOSIS SYMMETRICA HEREDITARIA 1. Identifiers: Orphanet 41, MedGen C0406775, MONDO:0007483, OMIM 127400.
Aicardi-Goutieres syndrome 6 (AGS6). Identifiers: Orphanet 51, MedGen C3539013, MONDO:0014007, OMIM 615010.

Submission:

Labcorp Genetics (formerly Invitae), Labcorp
Classification: Uncertain significance for Aicardi-Goutieres syndrome 6; Symmetrical dyschromatosis of extremities. Last evaluated: 2024-05-23. Review status: criteria provided, single submitter. Criteria: Invitae Variant Classification Sherloc (09022015). Collection method: clinical testing. Allele origin: germline.
Comment: This sequence change replaces arginine, which is basic and polar, with lysine, which is basic and polar, at codon 345 of the ADAR protein (p.Arg345Lys). This variant is not present in population databases (gnomAD no frequency). This variant has not been reported in the literature in individuals affected with ADAR-related conditions. ClinVar contains an entry for this variant (Variation ID: 2094735). Advanced modeling of protein sequence and biophysical properties (such as structural, functional, and spatial information, amino acid conservation, physicochemical variation, residue mobility, and thermodynamic stability) performed at Invitae indicates that this missense variant is not expected to disrupt ADAR protein function with a negative predictive value of 80%. In summary, the available evidence is currently insufficient to determine the role of this variant in disease. Therefore, it has been classified as a Variant of Uncertain Significance.